The following is an entry in ClinVar:

NM_000548.5(TSC2):c.2222T>C (p.Leu741Pro)

Gene: TSC2 (TSC complex subunit 2; plus strand). Cytogenetic location: 16p13.3.
Variant type: single nucleotide variant.
Coding change: c.2222T>C on transcript NM_000548.5 (MANE Select); coding-DNA position 2222, T replaced by C.
Protein change: p.Leu741Pro; replaces leucine 741 with proline.
Molecular consequence: missense variant.
Genome position (GRCh38, 1-based): chr16:2,072,850, T>C. VCF-style: chr16-2072850-T-C. GRCh37 (hg19) VCF-style: chr16-2122851-T-C.
Other names: c.2222T>C, p.Leu741Pro (NM_001077183.3, NM_001114382.3, NM_001363528.2 and 3 more transcripts); c.2111T>C, p.Leu704Pro (NM_001318827.2); c.2075T>C, p.Leu692Pro (NM_001318829.2); c.1622T>C, p.Leu541Pro (NM_001318831.2); c.2255T>C, p.Leu752Pro (NM_001318832.2); short protein forms L541P, L692P, L704P, L741P, L752P.
Identifiers: ClinVar variation 967653 (VCV000967653.13), dbSNP rs2088681390, ClinGen allele CA394276173.
Genomic context (GRCh38, chr16:2,072,850, plus strand): 5'-CTGGCTACCCCGTGACCTGGCCGCTGGGGAGAGGTTTCATGCCTGGATTTGGTCATCAGC[T>C]TTCAGGCCCAAAGACACTGGAGCGGCTCCGAGGCGCCCCAGAAGGCTTCTCCAGAACTGA-3'
Protein context (NP_000539.2, residues 731-751): DQLCSALCSM[Leu741Pro]SGPKTLERLR

ClinVar aggregate classification (germline): Uncertain significance. Review status: criteria provided, multiple submitters, no conflicts (2 of 4 stars). 2 submissions from 2 submitters: Uncertain significance (2). Last evaluated 2026-01-27.

Conditions:
Tuberous sclerosis 2 (TSC2). Identifiers: Orphanet 805, MedGen C1860707, MONDO:0013199, OMIM 613254.
Hereditary cancer-predisposing syndrome. Also called: Hereditary neoplastic syndrome; Hereditary Cancer Syndrome; Tumor predisposition; Neoplastic Syndromes, Hereditary. Identifiers: Orphanet 140162, MedGen C0027672, MeSH D009386, MONDO:0015356.

Submissions (2):

Labcorp Genetics (formerly Invitae), Labcorp
Classification: Uncertain significance for Tuberous sclerosis 2. Last evaluated: 2026-01-27. Review status: criteria provided, single submitter. Criteria: Invitae Variant Classification Sherloc (09022015). Collection method: clinical testing. Allele origin: germline.
Comment: This sequence change replaces leucine, which is neutral and non-polar, with proline, which is neutral and non-polar, at codon 741 of the TSC2 protein (p.Leu741Pro). This variant is not present in population databases (gnomAD no frequency). This variant has not been reported in the literature in individuals affected with TSC2-related conditions. ClinVar contains an entry for this variant (Variation ID: 967653). An algorithm developed to predict the effect of missense changes on protein structure and function (PolyPhen-2) suggests that this variant is likely to be disruptive. In summary, the available evidence is currently insufficient to determine the role of this variant in disease. Therefore, it has been classified as a Variant of Uncertain Significance.

Ambry Genetics
Classification: Uncertain significance for Hereditary cancer-predisposing syndrome. Last evaluated: 2025-06-30. Review status: criteria provided, single submitter. Criteria: Ambry Variant Classification Scheme 2023. Collection method: clinical testing. Allele origin: germline.
Comment: The p.L741P variant (also known as c.2222T>C), located in coding exon 20 of the TSC2 gene, results from a T to C substitution at nucleotide position 2222. The leucine at codon 741 is replaced by proline, an amino acid with similar properties. This amino acid position is highly conserved in available vertebrate species. In addition, this alteration is predicted to be deleterious by in silico analysis. Based on the available evidence, the clinical significance of this variant remains unclear.